The following is an entry in ClinVar:

NM_005257.6(GATA6):c.531_548del (p.Ala178_Ala183del)

Gene: GATA6 (GATA binding protein 6; plus strand). Cytogenetic location: 18q11.2.
Variant type: Deletion.
Coding change: c.531_548del on transcript NM_005257.6 (MANE Select); coding-DNA positions 531 to 548, 18 bases deleted (AGCAGCCGCGGCGGCGGC).
Protein change: p.Ala178_Ala183del.
Molecular consequence: inframe deletion.
Genome position (GRCh38, 1-based): chr18:22,171,675-22,171,692, AGCAGCCGCGGCGGCGGC deleted; deleting any 18 consecutive bases within chr18:22,171,667-22,171,692 gives the same sequence; the c. name uses the placement nearest the transcript's 3' end. VCF-style (leftmost placement, unchanged base first): chr18-22171666-CGCGGCGGCAGCAGCCGCG-C. GRCh37 (hg19) VCF-style: chr18-19751627-CGCGGCGGCAGCAGCCGCG-C.
Other names: c.531_548del (NM_005257.4).
Identifiers: ClinVar variation 1416988 (VCV001416988.8), dbSNP rs1198054146, ClinGen allele CA628980379.

ClinVar aggregate classification (germline): Uncertain significance. Review status: criteria provided, multiple submitters, no conflicts (2 of 4 stars). 2 submissions from 2 submitters: Uncertain significance (2). Last evaluated 2023-10-13.

Conditions:
Atrioventricular septal defect 5 (AVSD5). Identifiers: MedGen C3280939, MONDO:0013769, OMIM 614474.

Submissions (2):

Labcorp Genetics (formerly Invitae), Labcorp
Classification: Uncertain significance for Atrioventricular septal defect 5. Last evaluated: 2023-10-13. Review status: criteria provided, single submitter. Criteria: Invitae Variant Classification Sherloc (09022015). Collection method: clinical testing. Allele origin: germline.
Comment: This variant, c.531_548del, results in the deletion of 6 amino acid(s) of the GATA6 protein (p.Ala178_Ala183del), but otherwise preserves the integrity of the reading frame. This variant is present in population databases (no rsID available, gnomAD 0.005%). This variant has not been reported in the literature in individuals affected with GATA6-related conditions. ClinVar contains an entry for this variant (Variation ID: 1416988). Experimental studies and prediction algorithms are not available or were not evaluated, and the functional significance of this variant is currently unknown. In summary, the available evidence is currently insufficient to determine the role of this variant in disease. Therefore, it has been classified as a Variant of Uncertain Significance.

GeneDx
Classification: Uncertain significance. Last evaluated: 2022-10-14. Review status: criteria provided, single submitter. Criteria: GeneDx Variant Classification Process June 2021. Collection method: clinical testing. Allele origin: germline. Affected: yes.
Comment: Not observed at significant frequency in large population cohorts (gnomAD); In silico analysis supports that this variant does not alter protein structure/function; Has not been previously published as pathogenic or benign to our knowledge; In-frame deletion of 6 amino acids in a repetitive region with no known function